The following is an entry in ClinVar:

ClinVar aggregate classification (germline): Conflicting classifications of pathogenicity. Review status: criteria provided, conflicting classifications (1 of 4 stars). 3 submissions from 3 submitters: Uncertain significance (2); Likely benign (1). Last evaluated 2024-09-26.

Conditions:
FG syndrome (FGS). Identifiers: MedGen C0220769, MONDO:0002010.
Familial thoracic aortic aneurysm and aortic dissection (TAAD). Also called: Thoracic aortic aneurysms and dissections. Identifiers: Orphanet 91387, MedGen C4707243, MONDO:0019625.

Allele frequency attached by ClinVar (database versions not stated): ExAC 0.00001; gnomAD exomes 0.00001 and 0.00002; gnomAD 0.00002 and 0.00003; TOPMed 0.00003; 1000 Genomes Project 30x 0.00021; 1000 Genomes Project 0.00026.
gnomAD v4.1: 21 of 1,209,896 alleles (0.0017%); highest among the groups gnomAD compares: African/African-American, 0.007%; no homozygotes.

Submissions (3):

Labcorp Genetics (formerly Invitae), Labcorp
Classification: Likely benign for FG syndrome. Last evaluated: 2024-09-26. Review status: criteria provided, single submitter. Criteria: Invitae Variant Classification Sherloc (09022015). Collection method: clinical testing. Allele origin: germline.

Ambry Genetics
Classification: Uncertain significance for Familial thoracic aortic aneurysm and aortic dissection. Last evaluated: 2023-03-19. Review status: criteria provided, single submitter. Criteria: Ambry Variant Classification Scheme 2023. Collection method: clinical testing. Allele origin: germline.
Comment: The p.V1885I variant (also known as c.5653G>A), located in coding exon 39 of the MED12 gene, results from a G to A substitution at nucleotide position 5653. The valine at codon 1885 is replaced by isoleucine, an amino acid with highly similar properties. This amino acid position is conserved. In addition, this alteration is predicted to be tolerated by in silico analysis. Since supporting evidence is limited at this time, the clinical significance of this alteration remains unclear.

CeGaT Center for Human Genetics Tuebingen
Classification: Uncertain significance. Last evaluated: 2020-08-01. Review status: criteria provided, single submitter. Criteria: CeGaT Center For Human Genetics Tuebingen Variant Classification Criteria Version 2. Collection method: clinical testing. Allele origin: germline. Affected: yes. Observed: 1 variant allele.

NM_005120.3(MED12):c.5653G>A (p.Val1885Ile)

Gene: MED12 (mediator complex subunit 12; plus strand). Cytogenetic location: Xq13.1.
Variant type: single nucleotide variant.
Coding change: c.5653G>A on transcript NM_005120.3 (MANE Select); coding-DNA position 5653, G replaced by A.
Protein change: p.Val1885Ile; replaces valine 1885 with isoleucine.
Molecular consequence: missense variant.
Genome position (GRCh38, 1-based): chrX:71,137,288, G>A. VCF-style: chrX-71137288-G-A. GRCh37 (hg19) VCF-style: chrX-70357138-G-A.
Other names: short protein forms V1885I.
Identifiers: ClinVar variation 654562 (VCV000654562.47), dbSNP rs762659794, ClinGen allele CA10444816.